The following is an entry in ClinVar:

ClinVar aggregate classification (germline): Benign/Likely benign. Review status: criteria provided, multiple submitters, no conflicts (2 of 4 stars). 5 submissions from 5 submitters: Benign (2); Likely benign (2). 1 of the submissions does not count toward it. Last evaluated 2026-02-02.

Conditions:
Retinitis pigmentosa (RP). Identifiers: Orphanet 791, MedGen C0035334, MeSH D012174, MONDO:0019200, OMIM 268000. Inheritance: Autosomal dominant, autosomal recessive and X linked inheritance.
Retinitis pigmentosa 25 (RP25). Identifiers: Orphanet 791, MedGen C1864446, MONDO:0011272, OMIM 602772.

Allele frequency attached by ClinVar (database versions not stated): gnomAD exomes 0.00111 and 0.00292; ExAC 0.00426; ESP Exome Variant Server 0.01030; gnomAD 0.01199 and 0.01277; 1000 Genomes Project 30x 0.01280; 1000 Genomes Project 0.01358; TOPMed 0.01413.
gnomAD v4.1: 3,466 of 1,551,264 alleles (0.22%); highest among the groups gnomAD compares: African/African-American, 4.2%; 57 homozygotes.

Submissions (5):

Labcorp Genetics (formerly Invitae), Labcorp
Classification: Benign. Last evaluated: 2026-02-02. Review status: criteria provided, single submitter. Criteria: Invitae Variant Classification Sherloc (09022015). Collection method: clinical testing. Allele origin: germline.

Illumina Laboratory Services, Illumina
Classification: Likely benign for Retinitis pigmentosa. Last evaluated: 2018-01-13. Review status: criteria provided, single submitter. Criteria: ICSL Variant Classification Criteria 13 December 2019. Collection method: clinical testing. Allele origin: germline.
Comment: This variant was observed in the ICSL laboratory as part of a predisposition screen in an ostensibly healthy population. It had not been previously curated by ICSL or reported in the Human Gene Mutation Database (HGMD: prior to June 1st, 2018), and was therefore a candidate for classification through an automated scoring system. Utilizing variant allele frequency, disease prevalence and penetrance estimates, and inheritance mode, an automated score was calculated to assess if this variant is too frequent to cause the disease. Based on the score and internal cut-off values, a variant classified as likely benign is not then subjected to further curation. The score for this variant resulted in a classification of likely benign for this disease.

Eurofins Ntd Llc (ga)
Classification: Benign. Last evaluated: 2014-04-29. Review status: criteria provided, single submitter. Criteria: EGL Classification Definitions 2015. Collection method: clinical testing. Allele origin: germline. Observed: 1 variant allele, 1 heterozygote.

Breakthrough Genomics
Classification: Likely benign. Review status: criteria provided, single submitter. Criteria: ACMG Guidelines, 2015. Collection method: not provided. Allele origin: germline. Inheritance: Autosomal recessive inheritance. Affected: yes.

Natera, Inc.
Classification: Likely benign for Retinitis pigmentosa type 25. Last evaluated: 2019-10-25. Review status: no assertion criteria provided. Collection method: clinical testing. Allele origin: germline. Not counted in ClinVar's aggregate classification.

NM_001142800.2(EYS):c.9030A>G (p.Ala3010=)

Genes: EYS (EGF-like photoreceptor maintenance factor; minus strand), PHF3 (PHD finger protein 3; plus strand). Cytogenetic location: 6q12.
Variant type: single nucleotide variant.
Coding change: c.9030A>G on transcript NM_001142800.2 (MANE Select); coding-DNA position 9030, A replaced by G.
Protein change: p.Ala3010=; no amino-acid change (alanine 3010 retained).
Molecular consequence: synonymous variant. On other transcripts: 3 prime UTR variant (5).
Genome position (GRCh38, 1-based): chr6:63,721,001, T>C on the plus strand (A>G on the coding strand, the complement: EYS is on the minus strand). VCF-style: chr6-63721001-T-C. GRCh37 (hg19) VCF-style: chr6-64430897-T-C.
Other names: c.*7293T>C (NM_001290259.2, NM_001370348.2, NM_001370349.2 and 2 more transcripts); c.9093A>G, p.Ala3031= (NM_001292009.2).
Identifiers: ClinVar variation 167046 (VCV000167046.20), dbSNP rs61754905, ClinGen allele CA180007.